The following is an entry in ClinVar:

ClinVar aggregate classification (germline): Uncertain significance. Review status: criteria provided, multiple submitters, no conflicts (2 of 4 stars). 2 submissions from 2 submitters: Uncertain significance (2). Last evaluated 2025-07-29.

Conditions:
Hereditary cancer-predisposing syndrome. Also called: Neoplastic Syndromes, Hereditary; Hereditary Cancer Syndrome; Hereditary neoplastic syndrome; Tumor predisposition. Identifiers: Orphanet 140162, MedGen C0027672, MeSH D009386, MONDO:0015356.

Submissions (2):

Ambry Genetics
Classification: Uncertain significance for Hereditary cancer-predisposing syndrome. Last evaluated: 2025-07-29. Review status: criteria provided, single submitter. Criteria: Ambry Variant Classification Scheme 2023. Collection method: clinical testing. Allele origin: germline.
Comment: The p.S872F variant (also known as c.2615C>T), located in coding exon 16 of the RAD50 gene, results from a C to T substitution at nucleotide position 2615. The serine at codon 872 is replaced by phenylalanine, an amino acid with highly dissimilar properties. This amino acid position is conserved. In addition, this alteration is predicted to be tolerated by in silico analysis. Since supporting evidence is limited at this time, the clinical significance of this alteration remains unclear.

Labcorp Genetics (formerly Invitae), Labcorp
Classification: Uncertain significance for Hereditary cancer-predisposing syndrome. Last evaluated: 2019-11-04. Review status: criteria provided, single submitter. Criteria: Invitae Variant Classification Sherloc (09022015). Collection method: clinical testing. Allele origin: germline.
Comment: This sequence change replaces serine with phenylalanine at codon 872 of the RAD50 protein (p.Ser872Phe). The serine residue is moderately conserved and there is a large physicochemical difference between serine and phenylalanine. This variant is not present in population databases (ExAC no frequency). This variant has not been reported in the literature in individuals with RAD50-related conditions. Algorithms developed to predict the effect of missense changes on protein structure and function are either unavailable or do not agree on the potential impact of this missense change (SIFT: "Tolerated"; PolyPhen-2: "Possibly Damaging"; Align-GVGD: "Class C0"). In summary, the available evidence is currently insufficient to determine the role of this variant in disease. Therefore, it has been classified as a Variant of Uncertain Significance.

NM_005732.4(RAD50):c.2615C>T (p.Ser872Phe)

Gene: RAD50 (RAD50 double strand break repair protein; plus strand). Cytogenetic location: 5q31.1.
Variant type: single nucleotide variant.
Coding change: c.2615C>T on transcript NM_005732.4 (MANE Select); coding-DNA position 2615, C replaced by T.
Protein change: p.Ser872Phe; replaces serine 872 with phenylalanine.
Molecular consequence: missense variant.
Genome position (GRCh38, 1-based): chr5:132,604,896, C>T. VCF-style: chr5-132604896-C-T. GRCh37 (hg19) VCF-style: chr5-131940588-C-T.
Other names: short protein forms S872F.
Identifiers: ClinVar variation 933650 (VCV000933650.12), dbSNP rs1750956531, ClinGen allele CA360956581.